The following is an entry in ClinVar:

ClinVar aggregate classification (germline): Uncertain significance. Review status: criteria provided, multiple submitters, no conflicts (2 of 4 stars). 2 submissions from 2 submitters: Uncertain significance (2). Last evaluated 2023-04-06.

Allele frequency attached by ClinVar (database versions not stated): gnomAD 0.00002; TOPMed 0.00003.
gnomAD v4.1: 20 of 1,612,342 alleles (0.0012%); highest among the groups gnomAD compares: Admixed American, 0.0083%; no homozygotes.

Submissions (2):

Blueprint Genetics
Classification: Uncertain significance. Last evaluated: 2023-04-06. Review status: criteria provided, single submitter. Criteria: ACMG Guidelines, 2015. Collection method: clinical testing. Allele origin: germline.

Labcorp Genetics (formerly Invitae), Labcorp
Classification: Uncertain significance. Last evaluated: 2022-02-25. Review status: criteria provided, single submitter. Criteria: Invitae Variant Classification Sherloc (09022015). Collection method: clinical testing. Allele origin: germline.
Comment: This sequence change replaces arginine, which is basic and polar, with tryptophan, which is neutral and slightly polar, at codon 665 of the RBP3 protein (p.Arg665Trp). This variant is present in population databases (rs782074671, gnomAD 0.01%). This variant has not been reported in the literature in individuals affected with RBP3-related conditions. Algorithms developed to predict the effect of missense changes on protein structure and function are either unavailable or do not agree on the potential impact of this missense change (SIFT: "Deleterious"; PolyPhen-2: "Possibly Damaging"; Align-GVGD: "Class C0"). In summary, the available evidence is currently insufficient to determine the role of this variant in disease. Therefore, it has been classified as a Variant of Uncertain Significance.

NM_002900.3(RBP3):c.1993C>T (p.Arg665Trp)

Gene: RBP3 (retinol binding protein 3; plus strand). Cytogenetic location: 10q11.22.
Variant type: single nucleotide variant.
Coding change: c.1993C>T on transcript NM_002900.3 (MANE Select); coding-DNA position 1993, C replaced by T.
Protein change: p.Arg665Trp; replaces arginine 665 with tryptophan.
Molecular consequence: missense variant.
Genome position (GRCh38, 1-based): chr10:47,350,477, C>T. VCF-style: chr10-47350477-C-T. GRCh37 (hg19) VCF-style: chr10-48388885-G-A.
Other names: short protein forms R665W.
Identifiers: ClinVar variation 1920196 (VCV001920196.3), dbSNP rs782074671, ClinGen allele CA5487381.